The following is an entry in ClinVar:

NM_021801.5(MMP26):c.137C>T (p.Ser46Leu)

Gene: MMP26 (matrix metallopeptidase 26; plus strand). Cytogenetic location: 11p15.4.
Variant type: single nucleotide variant.
Coding change: c.137C>T on transcript NM_021801.5 (MANE Select); coding-DNA position 137, C replaced by T.
Protein change: p.Ser46Leu; replaces serine 46 with leucine.
Molecular consequence: missense variant. On other transcripts: 5 prime UTR variant (1).
Genome position (GRCh38, 1-based): chr11:4,989,685, C>T. VCF-style: chr11-4989685-C-T. GRCh37 (hg19) VCF-style: chr11-5010915-C-T.
Other names: c.-74C>T (NM_001384608.1); short protein forms S46L.
Identifiers: ClinVar variation 773522 (VCV000773522.28), dbSNP rs35365239, ClinGen allele CA5837715.
Genomic context (GRCh38, chr11:4,989,685, plus strand): 5'-TCATCCTTCTTGATCTGATTCAGGGCTATTTCCATCAATTTTTCCTGACCAAGAAGGAGT[C>T]GCCACTCCTTACCCAGGAGACACAAACACAGCTCCTGCAACAATTCCATCGGAATGGGAC-3'
Protein context (NP_068573.2, residues 36-56): FHQFFLTKKE[Ser46Leu]PLLTQETQTQ

ClinVar aggregate classification (germline): Likely benign. Review status: criteria provided, multiple submitters, no conflicts (2 of 4 stars). 3 submissions from 3 submitters: Likely benign (3). Last evaluated 2023-03-01.

Allele frequency attached by ClinVar (database versions not stated): 1000 Genomes Project 0.00280; 1000 Genomes Project 30x 0.00281; TOPMed 0.00527; gnomAD exomes 0.00547 and 0.00779; gnomAD 0.00573 and 0.00624; ExAC 0.00585; ESP Exome Variant Server 0.00715.
gnomAD v4.1: 12,198 of 1,613,432 alleles (0.76%); highest among the groups gnomAD compares: Non-Finnish European, 0.92%; 60 homozygotes.

Submissions (3):

CeGaT Center for Human Genetics Tuebingen
Classification: Likely benign. Last evaluated: 2023-03-01. Review status: criteria provided, single submitter. Criteria: CeGaT Center For Human Genetics Tuebingen Variant Classification Criteria Version 2. Collection method: clinical testing. Allele origin: germline. Affected: yes. Observed: 1 variant allele.
Comment: MMP26: BP4, BS2

Labcorp Genetics (formerly Invitae), Labcorp
Classification: Likely benign. Last evaluated: 2018-04-06. Review status: criteria provided, single submitter. Criteria: Invitae Variant Classification Sherloc (09022015). Collection method: clinical testing. Allele origin: germline.

Breakthrough Genomics
Classification: Likely benign. Review status: criteria provided, single submitter. Criteria: ACMG Guidelines, 2015. Collection method: not provided. Allele origin: germline. Inheritance: Unknown mechanism. Affected: yes.